The following is an entry in ClinVar:

ClinVar aggregate classification (germline): Conflicting classifications of pathogenicity. Review status: criteria provided, conflicting classifications (1 of 4 stars). 2 submissions from 2 submitters: Uncertain significance (1); Likely benign (1). Last evaluated 2024-11-13.

Allele frequency attached by ClinVar (database versions not stated): gnomAD 0.00003; gnomAD exomes 0.00004; TOPMed 0.00004; ExAC 0.00006; 1000 Genomes Project 30x 0.00016; 1000 Genomes Project 0.00020.
gnomAD v4.1: 74 of 1,606,574 alleles (0.0046%); highest among the groups gnomAD compares: South Asian, 0.013%; 1 homozygote.

Submissions (2):

Blueprint Genetics
Classification: Likely benign. Last evaluated: 2024-11-13. Review status: criteria provided, single submitter. Criteria: ACMG Guidelines, 2015. Collection method: clinical testing. Allele origin: germline.

Labcorp Genetics (formerly Invitae), Labcorp
Classification: Uncertain significance. Last evaluated: 2023-07-26. Review status: criteria provided, single submitter. Criteria: Invitae Variant Classification Sherloc (09022015). Collection method: clinical testing. Allele origin: germline.
Comment: In summary, the available evidence is currently insufficient to determine the role of this variant in disease. Therefore, it has been classified as a Variant of Uncertain Significance. Algorithms developed to predict the effect of sequence changes on RNA splicing suggest that this variant may disrupt the consensus splice site. ClinVar contains an entry for this variant (Variation ID: 1902104). This variant has not been reported in the literature in individuals affected with KCNQ4-related conditions. This variant is present in population databases (rs570626561, gnomAD 0.01%). This sequence change falls in intron 13 of the KCNQ4 gene. It does not directly change the encoded amino acid sequence of the KCNQ4 protein.

NM_004700.4(KCNQ4):c.1876-19A>G

Gene: KCNQ4 (potassium voltage-gated channel subfamily Q member 4; plus strand). Cytogenetic location: 1p34.2.
Variant type: single nucleotide variant.
Coding change: c.1876-19A>G on transcript NM_004700.4 (MANE Select); 19 bases into the intron before coding-DNA position 1876, A replaced by G.
Molecular consequence: intron variant.
Genome position (GRCh38, 1-based): chr1:40,838,292, A>G. VCF-style: chr1-40838292-A-G. GRCh37 (hg19) VCF-style: chr1-41303964-A-G.
Other names: c.1714-19A>G (NM_172163.3).
Identifiers: ClinVar variation 1902104 (VCV001902104.6), dbSNP rs570626561, ClinGen allele CA795036.